The following is an entry in ClinVar:

NM_001165963.4(SCN1A):c.5174G>A (p.Gly1725Asp)

Genes: SCN1A (sodium voltage-gated channel alpha subunit 1; minus strand), LOC102724058 (uncharacterized LOC102724058; plus strand). Cytogenetic location: 2q24.3.
Variant type: single nucleotide variant.
Coding change: c.5174G>A on transcript NM_001165963.4 (MANE Select); coding-DNA position 5174, G replaced by A.
Protein change: p.Gly1725Asp; replaces glycine 1725 with aspartic acid.
Molecular consequence: missense variant. On other transcripts: non-coding transcript variant (1).
Genome position (GRCh38, 1-based): chr2:165,992,101, C>T on the plus strand (G>A on the coding strand, the complement: SCN1A is on the minus strand). VCF-style: chr2-165992101-C-T. GRCh37 (hg19) VCF-style: chr2-166848611-C-T.
Other names: c.5090G>A, p.Gly1697Asp (NM_001165964.3, NM_001353957.2, NM_001353958.2); c.5174G>A, p.Gly1725Asp (NM_001202435.3, NM_001353948.2); c.5141G>A, p.Gly1714Asp (NM_001353949.2, NM_001353950.2, NM_001353951.2 and 2 more transcripts); c.5138G>A, p.Gly1713Asp (NM_001353954.2, NM_001353955.2); c.5087G>A, p.Gly1696Asp (NM_001353960.2); c.2732G>A, p.Gly911Asp (NM_001353961.2); short protein forms G1714D, G1725D, G1697D, G911D, G1696D, G1713D.
Identifiers: ClinVar variation 461280 (VCV000461280.9), dbSNP rs1553520318, ClinGen allele CA349068786.

ClinVar aggregate classification (germline): Likely pathogenic (1 of 4 stars; one submission).

Conditions:
Early-infantile DEE. Also called: Early infantile epileptic encephalopathy; Ohtahara syndrome; Early infantile epileptic encephalopathy with suppression bursts. Identifiers: Orphanet 1934, MedGen C0393706, MONDO:0800491.

Submission:

Labcorp Genetics (formerly Invitae), Labcorp
Classification: Likely pathogenic for Early-infantile DEE. Last evaluated: 2017-07-06. Review status: criteria provided, single submitter. Criteria: Invitae Variant Classification Sherloc (09022015). Collection method: clinical testing. Allele origin: germline.
Comment: Algorithms developed to predict the effect of missense changes on protein structure and function (SIFT, PolyPhen-2, Align-GVGD) all suggest that this variant is likely to be disruptive, but these predictions have not been confirmed by published functional studies. This variant identified in the SCN1A gene is located in the extracellular D4-S5/S6 region of the resulting protein (PMID: 25348405, 18804930), but it is unclear how this variant impacts the function of this protein. This variant is not present in population databases (ExAC no frequency) and has not been reported in the literature in individuals with an SCN1A-related disease. This sequence change replaces glycine with aspartic acid at codon 1725 of the SCN1A protein (p.Gly1725Asp). The glycine residue is highly conserved and there is a moderate physicochemical difference between glycine and aspartic acid. In summary, the currently available evidence indicates that the variant is pathogenic, but additional data are needed to prove that conclusively. Therefore, this variant has been classified as Likely Pathogenic. Family studies have indicated that this variant was not present in the parents of an individual with SCN1A-related disease, which suggests that it was de novo in that affected individual (Invitae).

Literature cited by the submitters: PubMed 25348405; PubMed 18804930.